The following continues an entry in ClinVar:

NM_001267550.2(TTN):c.58363G>A (p.Gly19455Ser)

ClinVar aggregate classification (germline): Conflicting classifications of pathogenicity. Uncertain significance (15); Benign (2); Likely benign (4).

Submissions 16 to 22 of 22:

Illumina Laboratory Services, Illumina
Classification: Benign for Tibial muscular dystrophy. Last evaluated: 2018-01-13. Review status: criteria provided, single submitter. Criteria: ICSL Variant Classification Criteria 13 December 2019. Collection method: clinical testing. Allele origin: germline.
Comment: This variant was observed in the ICSL laboratory as part of a predisposition screen in an ostensibly healthy population. It had not been previously curated by ICSL or reported in the Human Gene Mutation Database (HGMD: prior to June 1st, 2018), and was therefore a candidate for classification through an automated scoring system. Utilizing variant allele frequency, disease prevalence and penetrance estimates, and inheritance mode, an automated score was calculated to assess if this variant is too frequent to cause the disease. Based on the score and internal cut-off values, a variant classified as benign is not then subjected to further curation. The score for this variant resulted in a classification of benign for this disease.

Labcorp Genetics (formerly Invitae), Labcorp
Classification: Uncertain significance for Dilated cardiomyopathy 1G; Autosomal recessive limb-girdle muscular dystrophy type 2J. Last evaluated: 2018-01-03. Review status: criteria provided, single submitter. Criteria: Invitae Variant Classification Sherloc (09022015). Collection method: clinical testing. Allele origin: germline.

Genetic Services Laboratory, University of Chicago
Classification: Uncertain significance. Last evaluated: 2017-05-03. Review status: criteria provided, single submitter. Criteria: ACMG Guidelines, 2015. Collection method: clinical testing. Allele origin: germline. Affected: no.

Laboratory for Molecular Medicine, Mass General Brigham Personalized Medicine
Classification: Uncertain significance. Last evaluated: 2016-12-13. Review status: criteria provided, single submitter. Criteria: LMM Criteria. Collection method: clinical testing. Allele origin: germline. Observed: 4 variant alleles.
Comment: The p.Gly16887Ser variant in TTN has been identified by our laboratory in the he terozygous state in 2 individuals with DCM. It has been identified in 13/66718 E uropean chromosomes by the Exome Aggregation Consortium (ExAC; dbSNP rs191927501). Computational prediction tools and conservati on analysis suggest that the p.Gly16887Ser variant may impact the protein, thoug h this information is not predictive enough to determine pathogenicity. In summa ry, the clinical significance of the p.Gly16887Ser variant is uncertain.

Eurofins Ntd Llc (ga)
Classification: Uncertain significance. Last evaluated: 2015-01-05. Review status: criteria provided, single submitter. Criteria: EGL Classification Definitions 2015. Collection method: clinical testing. Allele origin: germline. Observed: 5 variant alleles, 5 heterozygotes.

Ambry Genetics
Classification: Uncertain significance for Cardiovascular phenotype. Last evaluated: 2012-11-26. Review status: criteria provided, single submitter. Criteria: Ambry Autosomal Dominant and X-Linked criteria (10/2015). Collection method: clinical testing. Allele origin: germline. Observed: 1 variant allele.
Comment: There is insufficient or conflicting evidence for classification of this alteration.

GeneDx
No classification provided. Last evaluated: 2014-04-21. Review status: no classification provided. Criteria: GeneDx Variant Classification (06012015). Collection method: clinical testing. Allele origin: germline. Affected: yes. Not counted in ClinVar's aggregate classification.
Comment: Missense variants in the TTN gene are considered 'unclassified' if they are not previously reported in the literature and do not have >1% frequency in the population to be considered a polymorphism. Research indicates that truncating mutations in the TTN gene are expected to account for approximately 25% of familial and 18% of sporadic idiopathic DCM; however, truncating variants in the TTN gene have been reported in approximately 3% of reported control alleles. There has been little investigation into non-truncating variants. (Herman D et al. Truncations of titin causing dilated cardiomyopathy. N Eng J Med 366:619-628, 2012) The variant is found in CARDIOMYOPATHY panel(s).

Literature cited by the submitters: PubMed 30847666 (cited by 3 submitters); PubMed 35026164 (cited by Athena Diagnostics); PubMed 33432171 (cited by Athena Diagnostics); PubMed 29590070 (cited by Athena Diagnostics).